The following is an entry in ClinVar:

ClinVar aggregate classification (germline): Uncertain significance (1 of 4 stars; one submission).

gnomAD v4.1: 4 of 1,614,066 alleles (0.00025%); highest among the groups gnomAD compares: East Asian, 0.0022%; no homozygotes.

Submission:

Labcorp Genetics (formerly Invitae), Labcorp
Classification: Uncertain significance. Last evaluated: 2025-11-18. Review status: criteria provided, single submitter. Criteria: Invitae Variant Classification Sherloc (09022015). Collection method: clinical testing. Allele origin: germline.
Comment: This sequence change replaces alanine, which is neutral and non-polar, with valine, which is neutral and non-polar, at codon 62 of the EIF2AK1 protein (p.Ala62Val). This variant is present in population databases (no rsID available, gnomAD 0.01%). This variant has not been reported in the literature in individuals affected with EIF2AK1-related conditions. An algorithm developed to predict the effect of missense changes on protein structure and function (PolyPhen-2) suggests that this variant is likely to be tolerated. In summary, the available evidence is currently insufficient to determine the role of this variant in disease. Therefore, it has been classified as a Variant of Uncertain Significance.

NM_014413.4(EIF2AK1):c.185C>T (p.Ala62Val)

Gene: EIF2AK1 (eukaryotic translation initiation factor 2 alpha kinase 1; minus strand). Cytogenetic location: 7p22.1.
Variant type: single nucleotide variant.
Coding change: c.185C>T on transcript NM_014413.4 (MANE Select); coding-DNA position 185, C replaced by T.
Protein change: p.Ala62Val; replaces alanine 62 with valine.
Molecular consequence: missense variant.
Genome position (GRCh38, 1-based): chr7:6,054,638, G>A on the plus strand (C>T on the coding strand, the complement: EIF2AK1 is on the minus strand). VCF-style: chr7-6054638-G-A. GRCh37 (hg19) VCF-style: chr7-6094269-G-A.
Other names: c.185C>T, p.Ala62Val (NM_001134335.2); short protein forms A62V.
Identifiers: ClinVar variation 4780152 (VCV004780152.1).
Genomic context (GRCh38, chr7:6,054,638, plus strand): 5'-GGTTCATGCACGTGGCTCAAGTGCTCCAGCAAAGAAACCAGCAAGAGTTGGTTTGCAACT[G>A]CAAAAGGGAAGGTTGGCTGTTGTAGGGGTTCTTTTAACACCTGGATTTCTGCTGGAACAT-3'
Protein context (NP_055228.2, residues 52-72): EPLQQPTFPF[Ala62Val]VANQLLLVSL